The following is an entry in ClinVar:

ClinVar aggregate classification (germline): Uncertain significance (1 of 4 stars; one submission).

gnomAD v4.1: 4 of 1,614,066 alleles (0.00025%); highest among the groups gnomAD compares: South Asian, 0.0044%; no homozygotes.

Submission:

GeneDx
Classification: Uncertain significance. Last evaluated: 2025-05-14. Review status: criteria provided, single submitter. Criteria: GeneDx Variant Classification Process June 2021. Collection method: clinical testing. Allele origin: germline. Affected: yes.
Comment: Not observed at significant frequency in large population cohorts (gnomAD); In silico analysis supports that this missense variant has a deleterious effect on protein structure/function; Has not been previously published as pathogenic or benign to our knowledge

NM_139319.3(SLC17A8):c.1651A>G (p.Thr551Ala)

Gene: SLC17A8 (solute carrier family 17 member 8; plus strand). Cytogenetic location: 12q23.1.
Variant type: single nucleotide variant.
Coding change: c.1651A>G on transcript NM_139319.3 (MANE Select); coding-DNA position 1651, A replaced by G.
Protein change: p.Thr551Ala; replaces threonine 551 with alanine.
Molecular consequence: missense variant.
Genome position (GRCh38, 1-based): chr12:100,420,040, A>G. VCF-style: chr12-100420040-A-G. GRCh37 (hg19) VCF-style: chr12-100813818-A-G.
Other names: c.1501A>G, p.Thr501Ala (NM_001145288.2); short protein forms T501A, T551A.
Identifiers: ClinVar variation 4529888 (VCV004529888.1).